The following is an entry in ClinVar:

NM_001330078.2(NRXN1):c.724G>A (p.Val242Met)

Gene: NRXN1 (neurexin 1; minus strand). Cytogenetic location: 2p16.3.
Variant type: single nucleotide variant.
Coding change: c.724G>A on transcript NM_001330078.2 (MANE Select); coding-DNA position 724, G replaced by A.
Protein change: p.Val242Met; replaces valine 242 with methionine.
Molecular consequence: missense variant.
Genome position (GRCh38, 1-based): chr2:51,027,550, C>T on the plus strand (G>A on the coding strand, the complement: NRXN1 is on the minus strand). VCF-style: chr2-51027550-C-T. GRCh37 (hg19) VCF-style: chr2-51254688-C-T.
Other names: c.724G>A, p.Val242Met (NM_001135659.3, NM_001330077.2, NM_001330079.2 and 15 more transcripts); short protein forms V242M.
Identifiers: ClinVar variation 1433932 (VCV001433932.8), dbSNP rs878854254, ClinGen allele CA346823415.

ClinVar aggregate classification (germline): Uncertain significance (1 of 4 stars; one submission).

Conditions:
Pitt-Hopkins-like syndrome 2 (PTHSL2). Identifiers: Orphanet 221150, Orphanet 600663, MedGen C3280479, MONDO:0013690, OMIM 614325.

gnomAD v4.1: 1 of 1,590,588 alleles (0.000063%); highest among the groups gnomAD compares: Non-Finnish European, 0.000086%; no homozygotes.

Submission:

Labcorp Genetics (formerly Invitae), Labcorp
Classification: Uncertain significance for Pitt-Hopkins-like syndrome 2. Last evaluated: 2022-01-13. Review status: criteria provided, single submitter. Criteria: Invitae Variant Classification Sherloc (09022015). Collection method: clinical testing. Allele origin: germline.
Comment: In summary, the available evidence is currently insufficient to determine the role of this variant in disease. Therefore, it has been classified as a Variant of Uncertain Significance. Algorithms developed to predict the effect of missense changes on protein structure and function are either unavailable or do not agree on the potential impact of this missense change (SIFT: "Tolerated"; PolyPhen-2: "Possibly Damaging"; Align-GVGD: "Class C0"). This variant has not been reported in the literature in individuals affected with NRXN1-related conditions. This variant is not present in population databases (gnomAD no frequency). This sequence change replaces valine, which is neutral and non-polar, with methionine, which is neutral and non-polar, at codon 242 of the NRXN1 protein (p.Val242Met).